The following is an entry in ClinVar:

ClinVar aggregate classification (germline): Benign/Likely benign. Review status: criteria provided, multiple submitters, no conflicts (2 of 4 stars). 8 submissions from 8 submitters: Benign (1); Likely benign (6). 1 of the submissions does not count toward it. Last evaluated 2026-02-08.

Conditions:
MSH6-related disorder. Also called: MSH6-related condition; MSH6-Related disorders.
Hereditary nonpolyposis colorectal neoplasms. Identifiers: MedGen C0009405, MeSH D003123.
Hereditary cancer-predisposing syndrome. Also called: Neoplastic Syndromes, Hereditary; Tumor predisposition; Hereditary neoplastic syndrome; Hereditary Cancer Syndrome. Identifiers: Orphanet 140162, MedGen C0027672, MeSH D009386, MONDO:0015356.
Lynch syndrome. Identifiers: Orphanet 144, MedGen C4552100, MONDO:0005835. Disease mechanism: loss of function.
Lynch syndrome 5 (LYNCH5). Also called: Colorectal cancer, hereditary nonpolyposis, type 5; Hereditary non-polyposis colorectal cancer, type 5. Identifiers: Orphanet 144, MedGen C1833477, MONDO:0013710, OMIM 614350. Disease mechanism: loss of function.

Allele frequency attached by ClinVar (database versions not stated): gnomAD exomes below 0.00001; TOPMed 0.00001.

Submissions (8):

PreventionGenetics, part of Exact Sciences
Classification: Likely benign for MSH6-related condition. Last evaluated: 2026-02-08. Review status: criteria provided, single submitter. Criteria: ACMG Guidelines, 2015. Collection method: clinical testing. Allele origin: germline.
Comment: This variant is classified as likely benign based on ACMG/AMP sequence variant interpretation guidelines (Richards et al. 2015 PMID: 25741868, with internal and published modifications).

Labcorp Genetics (formerly Invitae), Labcorp
Classification: Likely benign for Hereditary nonpolyposis colorectal neoplasms. Last evaluated: 2025-11-27. Review status: criteria provided, single submitter. Criteria: Invitae Variant Classification Sherloc (09022015). Collection method: clinical testing. Allele origin: germline.

All of Us Research Program, National Institutes of Health
Classification: Likely benign for Lynch syndrome. Last evaluated: 2024-03-24. Review status: criteria provided, single submitter. Criteria: ACMG Guidelines, 2015. Collection method: clinical testing. Allele origin: germline. Inheritance: Autosomal dominant inheritance. Observed: 4 variant alleles, 4 heterozygotes.
Comment: This study involves interpretation of variants in research participants for the purpose of population health screening. Participant phenotype was not available at the time of variant classification. Additional details can be found in publication PMID: 35346344, PMCID: PMC8962531

Myriad Genetics, Inc.
Classification: Benign for Lynch syndrome 5. Last evaluated: 2023-03-28. Review status: criteria provided, single submitter. Criteria: Myriad Autosomal Dominant, Autosomal Recessive and X-Linked Classification Criteria (2023). Collection method: clinical testing. Allele origin: unknown.
Comment: This variant is considered benign. This variant is a silent/synonymous amino acid change and it is not expected to impact splicing.

GeneDx
Classification: Likely benign. Last evaluated: 2017-12-19. Review status: criteria provided, single submitter. Criteria: GeneDx Variant Classification (06012015). Collection method: clinical testing. Allele origin: germline. Affected: yes.
Comment: This variant is considered likely benign or benign based on one or more of the following criteria: it is a conservative change, it occurs at a poorly conserved position in the protein, it is predicted to be benign by multiple in silico algorithms, and/or has population frequency not consistent with disease.

Color Diagnostics, LLC DBA Color Health
Classification: Likely benign for Hereditary cancer-predisposing syndrome. Last evaluated: 2016-04-26. Review status: criteria provided, single submitter. Criteria: ACMG Guidelines, 2015. Collection method: clinical testing. Allele origin: germline.

Ambry Genetics
Classification: Likely benign for Hereditary cancer-predisposing syndrome. Last evaluated: 2014-12-31. Review status: criteria provided, single submitter. Criteria: Ambry Variant Classification Scheme 2023. Collection method: clinical testing. Allele origin: germline.

Counsyl
Classification: Likely benign for Lynch syndrome 5. Last evaluated: 2016-06-27. Review status: no assertion criteria provided. Collection method: clinical testing. Allele origin: unknown. Not counted in ClinVar's aggregate classification.

NM_000179.3(MSH6):c.1560T>C (p.Gly520=)

Gene: MSH6 (mutS homolog 6; plus strand). Cytogenetic location: 2p16.3.
Variant type: single nucleotide variant.
Coding change: c.1560T>C on transcript NM_000179.3 (MANE Select); coding-DNA position 1560, T replaced by C.
Protein change: p.Gly520=; no amino-acid change (glycine 520 retained).
Molecular consequence: synonymous variant.
Genome position (GRCh38, 1-based): chr2:47,799,543, T>C. VCF-style: chr2-47799543-T-C. GRCh37 (hg19) VCF-style: chr2-48026682-T-C.
Other names: c.1170T>C, p.Gly390= (NM_001281492.2); c.654T>C, p.Gly218= (NM_001281493.2, NM_001281494.2).
Identifiers: ClinVar variation 187702 (VCV000187702.24), dbSNP rs762396230, ClinGen allele CA008782.